The following is an entry in ClinVar:

NM_002907.4(RECQL):c.1310A>T (p.Gln437Leu)

Gene: RECQL (RecQ like helicase; minus strand). Cytogenetic location: 12p12.1.
Variant type: single nucleotide variant.
Coding change: c.1310A>T on transcript NM_002907.4 (MANE Select); coding-DNA position 1310, A replaced by T.
Protein change: p.Gln437Leu; replaces glutamine 437 with leucine.
Molecular consequence: missense variant.
Genome position (GRCh38, 1-based): chr12:21,474,886, T>A on the plus strand (A>T on the coding strand, the complement: RECQL is on the minus strand). VCF-style: chr12-21474886-T-A. GRCh37 (hg19) VCF-style: chr12-21627820-T-A.
Other names: c.1310A>T, p.Gln437Leu (NM_032941.3); short protein forms Q437L.
Identifiers: ClinVar variation 2585994 (VCV002585994.3), dbSNP rs1943051296, ClinGen allele CA384118350.

ClinVar aggregate classification (germline): Uncertain significance (1 of 4 stars; one submission).

Allele frequency attached by ClinVar (database versions not stated): TOPMed below 0.00001; gnomAD exomes below 0.00001.
gnomAD v4.1: 1 of 1,613,240 alleles (0.000062%); highest among the groups gnomAD compares: African/African-American, 0.0013%; no homozygotes.

Submission:

Ambry Genetics
Classification: Uncertain significance. Last evaluated: 2025-10-14. Review status: criteria provided, single submitter. Criteria: Ambry Variant Classification Scheme 2023. Collection method: clinical testing. Allele origin: germline.
Comment: The p.Q437L variant (also known as c.1310A>T), located in coding exon 10 of the RECQL gene, results from an A to T substitution at nucleotide position 1310. The glutamine at codon 437 is replaced by leucine, an amino acid with dissimilar properties. This amino acid position is conserved. In addition, this alteration is predicted to be tolerated by in silico analysis. Since supporting evidence is limited at this time, the clinical significance of this alteration remains unclear.